The following is an entry in ClinVar:

NM_004991.4(MECOM):c.2646C>A (p.Phe882Leu)

Gene: MECOM (MDS1 and EVI1 complex locus; minus strand). Cytogenetic location: 3q26.2.
Variant type: single nucleotide variant.
Coding change: c.2646C>A on transcript NM_004991.4 (MANE Select); coding-DNA position 2646, C replaced by A.
Protein change: p.Phe882Leu; replaces phenylalanine 882 with leucine.
Molecular consequence: missense variant.
Genome position (GRCh38, 1-based): chr3:169,102,185, G>T on the plus strand (C>A on the coding strand, the complement: MECOM is on the minus strand). VCF-style: chr3-169102185-G-T. GRCh37 (hg19) VCF-style: chr3-168819973-G-T.
Other names: c.2277C>A, p.Phe759Leu (NM_001105077.4); c.2082C>A, p.Phe694Leu (NM_001105078.4, NM_001205194.2, NM_001366469.2 and 1 more transcripts); c.2058C>A, p.Phe686Leu (NM_001163999.2, NM_001366470.2); c.2055C>A, p.Phe685Leu (NM_001164000.2, NM_001366471.2, NM_001366472.2); c.2619C>A, p.Phe873Leu (NM_001366466.2); c.2085C>A, p.Phe695Leu (NM_001366467.2, NM_001366468.2); c.1647C>A, p.Phe549Leu (NM_001366473.2); c.1083C>A, p.Phe361Leu (NM_001366474.2); short protein forms F549L, F695L, F759L, F873L, F694L, F361L, F685L, F686L.
Identifiers: ClinVar variation 4105927 (VCV004105927.1).

ClinVar aggregate classification (germline): Uncertain significance (1 of 4 stars; one submission).

Conditions:
Inborn genetic diseases. Identifiers: MedGen C0950123, MeSH D030342.

gnomAD v4.1: 3 of 1,613,850 alleles (0.00019%); highest among the groups gnomAD compares: Non-Finnish European, 0.00025%; no homozygotes.

Submission:

Ambry Genetics
Classification: Uncertain significance for Inborn genetic diseases. Last evaluated: 2025-09-14. Review status: criteria provided, single submitter. Criteria: Ambry Variant Classification Scheme 2023. Collection method: clinical testing. Allele origin: germline.
Comment: The p.F882L variant (also known as c.2646C>A), located in coding exon 11 of the MECOM gene, results from a C to A substitution at nucleotide position 2646. The phenylalanine at codon 882 is replaced by leucine, an amino acid with highly similar properties. This amino acid position is conserved. In addition, this alteration is predicted to be tolerated by in silico analysis. Based on the available evidence, the clinical significance of this variant remains unclear.